The following is an entry in ClinVar:

NM_007268.3(VSIG4):c.757+8T>C

Gene: VSIG4 (V-set and immunoglobulin domain containing 4; minus strand). Cytogenetic location: Xq12.
Variant type: single nucleotide variant.
Coding change: c.757+8T>C on transcript NM_007268.3 (MANE Select); 8 bases into the intron after coding-DNA position 757, T replaced by C.
Molecular consequence: intron variant.
Genome position (GRCh38, 1-based): chrX:66,028,042, A>G on the plus strand (T>C on the coding strand, the complement: VSIG4 is on the minus strand). VCF-style: chrX-66028042-A-G. GRCh37 (hg19) VCF-style: chrX-65247884-A-G.
Other names: c.475+8T>C (NM_001100431.2, NM_001184831.2); c.757+8T>C (NM_001257403.2, NM_001184830.2).
Identifiers: ClinVar variation 3052435 (VCV003052435.3), dbSNP rs201039111, ClinGen allele CA10434936.

ClinVar aggregate classification (germline): Likely benign. Review status: criteria provided, single submitter (1 of 4 stars). 2 submissions from 2 submitters: Likely benign (1). 1 of the submissions does not count toward it. Last evaluated 2024-11-23.

Conditions:
VSIG4-related disorder. Also called: VSIG4-related condition.

Allele frequency attached by ClinVar (database versions not stated): 1000 Genomes Project 0.00026; 1000 Genomes Project 30x 0.00042; ESP Exome Variant Server 0.00076; ExAC 0.00082; TOPMed 0.00090; gnomAD 0.00095; gnomAD exomes 0.00163.
gnomAD v4.1: 1,868 of 1,207,365 alleles (0.15%); highest among the groups gnomAD compares: South Asian, 0.21%; 2 homozygotes.

Submissions (2):

Blueprint Genetics
Classification: Likely benign. Last evaluated: 2024-11-23. Review status: criteria provided, single submitter. Criteria: ACMG Guidelines, 2015. Collection method: clinical testing. Allele origin: germline.

PreventionGenetics, part of Exact Sciences
Classification: Likely benign for VSIG4-related condition. Last evaluated: 2019-10-07. Review status: no assertion criteria provided. Collection method: clinical testing. Allele origin: germline. Not counted in ClinVar's aggregate classification.
Comment: This variant is classified as likely benign based on ACMG/AMP sequence variant interpretation guidelines (Richards et al. 2015 PMID: 25741868, with internal and published modifications).